The following is an entry in ClinVar:

NM_001080517.3(SETD5):c.3929C>T (p.Ser1310Leu)

Gene: SETD5 (SET domain containing 5; plus strand). Cytogenetic location: 3p25.3.
Variant type: single nucleotide variant.
Coding change: c.3929C>T on transcript NM_001080517.3 (MANE Select); coding-DNA position 3929, C replaced by T.
Protein change: p.Ser1310Leu; replaces serine 1310 with leucine.
Molecular consequence: missense variant.
Genome position (GRCh38, 1-based): chr3:9,475,691, C>T. VCF-style: chr3-9475691-C-T. GRCh37 (hg19) VCF-style: chr3-9517375-C-T.
Other names: c.3635C>T, p.Ser1212Leu (NM_001292043.2, NM_001349451.2); short protein forms S1310L, S1212L.
Identifiers: ClinVar variation 775845 (VCV000775845.34), dbSNP rs201582360, ClinGen allele CA2239832.

ClinVar aggregate classification (germline): Benign/Likely benign. Review status: criteria provided, multiple submitters, no conflicts (2 of 4 stars). 5 submissions from 5 submitters: Benign (1); Likely benign (3). 1 of the submissions does not count toward it. Last evaluated 2026-01-26.

Conditions:
Inborn genetic diseases. Identifiers: MedGen C0950123, MeSH D030342.
SETD5-related disorder. Also called: SETD5-related disorders; SETD5-related condition.

Allele frequency attached by ClinVar (database versions not stated): TOPMed 0.00092; ESP Exome Variant Server 0.00116.
gnomAD v4.1: 1,895 of 1,613,852 alleles (0.12%); highest among the groups gnomAD compares: Non-Finnish European, 0.15%; 1 homozygote.

Submissions (5):

Labcorp Genetics (formerly Invitae), Labcorp
Classification: Likely benign. Last evaluated: 2026-01-26. Review status: criteria provided, single submitter. Criteria: Invitae Variant Classification Sherloc (09022015). Collection method: clinical testing. Allele origin: germline.

Ambry Genetics
Classification: Likely benign for Inborn genetic diseases. Last evaluated: 2025-04-25. Review status: criteria provided, single submitter. Criteria: Ambry Variant Classification Scheme 2023. Collection method: clinical testing. Allele origin: germline.

CeGaT Center for Human Genetics Tuebingen
Classification: Likely benign. Last evaluated: 2024-12-01. Review status: criteria provided, single submitter. Criteria: CeGaT Center For Human Genetics Tuebingen Variant Classification Criteria Version 2. Collection method: clinical testing. Allele origin: germline. Affected: yes. Observed: 5 variant alleles.
Comment: SETD5: BS1

GeneDx
Classification: Benign. Last evaluated: 2021-03-01. Review status: criteria provided, single submitter. Criteria: GeneDx Variant Classification Process June 2021. Collection method: clinical testing. Allele origin: germline. Affected: yes.

PreventionGenetics, part of Exact Sciences
Classification: Likely benign for SETD5-related condition. Last evaluated: 2022-11-07. Review status: no assertion criteria provided. Collection method: clinical testing. Allele origin: germline. Not counted in ClinVar's aggregate classification.
Comment: This variant is classified as likely benign based on ACMG/AMP sequence variant interpretation guidelines (Richards et al. 2015 PMID: 25741868, with internal and published modifications).